The following is an entry in ClinVar:

NM_177972.3(TUB):c.1005C>T (p.Asn335=)

Genes: RIC3 (RIC3 acetylcholine receptor chaperone; minus strand), TUB (TUB bipartite transcription factor; plus strand). Cytogenetic location: 11p15.4.
Variant type: single nucleotide variant.
Coding change: c.1005C>T on transcript NM_177972.3 (MANE Select); coding-DNA position 1005, C replaced by T.
Protein change: p.Asn335=; no amino-acid change (asparagine 335 retained).
Molecular consequence: synonymous variant.
Genome position (GRCh38, 1-based): chr11:8,098,764, C>T. VCF-style: chr11-8098764-C-T. GRCh37 (hg19) VCF-style: chr11-8120311-C-T.
Other names: c.1023C>T, p.Asn341= (NM_001440538.1, NM_001440539.1); c.855C>T, p.Asn285= (NM_001440540.1, NM_001440542.1); c.837C>T, p.Asn279= (NM_001440541.1); c.1170C>T, p.Asn390= (NM_003320.5).
Identifiers: ClinVar variation 4999862 (VCV004999862.1).
Genomic context (GRCh38, chr11:8,098,764, plus strand): 5'-CCTGCTCTGGGGCAGAGGGTGCATGACTCTATACTGATTGTGCCTTTATTTCAGGTCCAA[C>T]TTGATGGGCACCAAGTTCACTGTTTATGACAATGGAGTCAACCCTCAGAAGGCCTCATCC-3'
Protein context (NP_813977.1, residues 325-345): GDSYIGKLRS[Asn335=]LMGTKFTVYD

ClinVar aggregate classification (germline): Likely benign (1 of 4 stars; one submission).

Conditions:
TUB-related disorder. Also called: TUB-related condition.

gnomAD v4.1: 1 of 1,613,660 alleles (0.000062%); highest among the groups gnomAD compares: Admixed American, 0.0017%; no homozygotes.

Submission:

PreventionGenetics, part of Exact Sciences
Classification: Likely benign for TUB-related condition. Last evaluated: 2025-01-13. Review status: criteria provided, single submitter. Criteria: ACMG Guidelines, 2015. Collection method: clinical testing. Allele origin: germline.
Comment: This variant is classified as likely benign based on ACMG/AMP sequence variant interpretation guidelines (Richards et al. 2015 PMID: 25741868, with internal and published modifications).